The following is an entry in ClinVar:

NM_144628.4(TBC1D20):c.1061G>A (p.Arg354Gln)

Gene: TBC1D20 (TBC1 domain family member 20; minus strand). Cytogenetic location: 20p13.
Variant type: single nucleotide variant.
Coding change: c.1061G>A on transcript NM_144628.4 (MANE Select); coding-DNA position 1061, G replaced by A.
Protein change: p.Arg354Gln; replaces arginine 354 with glutamine.
Molecular consequence: missense variant. On other transcripts: non-coding transcript variant (1).
Genome position (GRCh38, 1-based): chr20:438,737, C>T on the plus strand (G>A on the coding strand, the complement: TBC1D20 is on the minus strand). VCF-style: chr20-438737-C-T. GRCh37 (hg19) VCF-style: chr20-419381-C-T.
Other names: short protein forms R354Q.
Identifiers: ClinVar variation 1521918 (VCV001521918.8), dbSNP rs200373464, ClinGen allele CA9723451.

ClinVar aggregate classification (germline): Uncertain significance (1 of 4 stars; one submission).

Allele frequency attached by ClinVar (database versions not stated): ExAC 0.00002; gnomAD exomes 0.00002 and 0.00003; TOPMed 0.00002.
gnomAD v4.1: 30 of 1,614,184 alleles (0.0019%); highest among the groups gnomAD compares: East Asian, 0.0067%; no homozygotes.

Submission:

Labcorp Genetics (formerly Invitae), Labcorp
Classification: Uncertain significance. Last evaluated: 2022-06-27. Review status: criteria provided, single submitter. Criteria: Invitae Variant Classification Sherloc (09022015). Collection method: clinical testing. Allele origin: germline.
Comment: In summary, the available evidence is currently insufficient to determine the role of this variant in disease. Therefore, it has been classified as a Variant of Uncertain Significance. Algorithms developed to predict the effect of missense changes on protein structure and function (SIFT, PolyPhen-2, Align-GVGD) all suggest that this variant is likely to be tolerated. This variant has not been reported in the literature in individuals affected with TBC1D20-related conditions. This variant is present in population databases (rs200373464, gnomAD 0.006%). This sequence change replaces arginine, which is basic and polar, with glutamine, which is neutral and polar, at codon 354 of the TBC1D20 protein (p.Arg354Gln).